The following is an entry in ClinVar:

ClinVar aggregate classification (germline): Uncertain significance (1 of 4 stars; one submission).

gnomAD v4.1: 21 of 1,584,038 alleles (0.0013%); highest among the groups gnomAD compares: Non-Finnish European, 0.0018%; no homozygotes.

Submission:

GeneDx
Classification: Uncertain significance. Last evaluated: 2026-07-14. Review status: criteria provided, single submitter. Criteria: GeneDx Variant Classification Process June 2021. Collection method: clinical testing. Allele origin: germline.
Comment: Not observed at significant frequency in large population cohorts (gnomAD); In silico analysis supports that this missense variant has a deleterious effect on protein structure/function; Has not been previously published as pathogenic or benign to our knowledge

NM_004947.5(DOCK3):c.3938T>G (p.Leu1313Arg)

Gene: DOCK3 (dedicator of cytokinesis 3; plus strand). Cytogenetic location: 3p21.2.
Variant type: single nucleotide variant.
Coding change: c.3938T>G on transcript NM_004947.5 (MANE Select); coding-DNA position 3938, T replaced by G.
Protein change: p.Leu1313Arg; replaces leucine 1313 with arginine.
Molecular consequence: missense variant.
Genome position (GRCh38, 1-based): chr3:51,348,874, T>G. VCF-style: chr3-51348874-T-G. GRCh37 (hg19) VCF-style: chr3-51386305-T-G.
Other names: short protein forms L1313R.
Identifiers: ClinVar variation 4529711 (VCV004529711.2).